The following is an entry in ClinVar:

ClinVar aggregate classification (germline): Uncertain significance (1 of 4 stars; one submission).

Conditions:
EGFR-related lung cancer (EGFR). Identifiers: MedGen CN130014.

Submission:

Labcorp Genetics (formerly Invitae), Labcorp
Classification: Uncertain significance for EGFR-related lung cancer. Last evaluated: 2022-01-26. Review status: criteria provided, single submitter. Criteria: Invitae Variant Classification Sherloc (09022015). Collection method: clinical testing. Allele origin: germline.
Comment: Algorithms developed to predict the effect of missense changes on protein structure and function are either unavailable or do not agree on the potential impact of this missense change (SIFT: "Deleterious"; PolyPhen-2: "Probably Damaging"; Align-GVGD: "Class C0"). In summary, the available evidence is currently insufficient to determine the role of this variant in disease. Therefore, it has been classified as a Variant of Uncertain Significance. ClinVar contains an entry for this variant (Variation ID: 1053376). This variant has not been reported in the literature in individuals affected with EGFR-related conditions. This variant is not present in population databases (gnomAD no frequency). This sequence change replaces proline, which is neutral and non-polar, with histidine, which is basic and polar, at codon 937 of the EGFR protein (p.Pro937His).

NM_005228.5(EGFR):c.2810C>A (p.Pro937His)

Gene: EGFR (epidermal growth factor receptor; plus strand). Cytogenetic location: 7p11.2.
Variant type: single nucleotide variant.
Coding change: c.2810C>A on transcript NM_005228.5 (MANE Select); coding-DNA position 2810, C replaced by A.
Protein change: p.Pro937His; replaces proline 937 with histidine.
Molecular consequence: missense variant.
Genome position (GRCh38, 1-based): chr7:55,198,825, C>A. VCF-style: chr7-55198825-C-A. GRCh37 (hg19) VCF-style: chr7-55266518-C-A.
Other names: c.2675C>A, p.Pro892His (NM_001346897.2, NM_001346899.2); c.2810C>A, p.Pro937His (NM_001346898.2); c.2651C>A, p.Pro884His (NM_001346900.2); c.2009C>A, p.Pro670His (NM_001346941.2); short protein forms P670H, P884H, P892H, P937H.
Identifiers: ClinVar variation 1053376 (VCV001053376.9), dbSNP rs2128968848, ClinGen allele CA367581405.